The following is an entry in ClinVar:

ClinVar aggregate classification (germline): Benign. Review status: criteria provided, multiple submitters, no conflicts (2 of 4 stars). 5 submissions from 5 submitters: Benign (4). 1 of the submissions does not count toward it. Last evaluated 2021-09-05.

Conditions:
Lissencephaly due to LIS1 mutation (LIS1). Also called: PAFAH1B1-Associated Lissencephaly/Subcortical Band Heterotopia; PAFAH1B1-Related Lissencephaly/Subcortical Band Heterotopia; Isolated Lissencephaly Sequence. Identifiers: Orphanet 95232, MedGen C4749301, MONDO:0011830, OMIM 607432.

Allele frequency attached by ClinVar (database versions not stated): gnomAD 0.89313 and 0.89105; gnomAD exomes 0.91763 and 0.92245; ExAC 0.91485; 1000 Genomes Project 0.89237; ESP Exome Variant Server 0.88728; TOPMed 0.88947; 1000 Genomes Project 30x 0.89179.
gnomAD v4.1: 1,460,152 of 1,587,934 alleles (92%); highest among the groups gnomAD compares: Non-Finnish European, 93%; 672,222 homozygotes.

Submissions (5):

Genome-Nilou Lab
Classification: Benign for Lissencephaly due to LIS1 mutation. Last evaluated: 2021-09-05. Review status: criteria provided, single submitter. Criteria: ACMG Guidelines, 2015. Collection method: clinical testing. Allele origin: germline. Affected: no.

GeneDx
Classification: Benign. Last evaluated: 2018-06-19. Review status: criteria provided, single submitter. Criteria: GeneDx Variant Classification (06012015). Collection method: clinical testing. Allele origin: germline. Affected: yes.
Comment: This variant is considered likely benign or benign based on one or more of the following criteria: it is a conservative change, it occurs at a poorly conserved position in the protein, it is predicted to be benign by multiple in silico algorithms, and/or has population frequency not consistent with disease.

Breakthrough Genomics
Classification: Benign. Review status: criteria provided, single submitter. Criteria: ACMG Guidelines, 2015. Collection method: not provided. Allele origin: germline. Inheritance: Autosomal dominant inheritance. Affected: yes.

PreventionGenetics, part of Exact Sciences
Classification: Benign. Review status: criteria provided, single submitter. Criteria: ACMG Guidelines, 2015. Collection method: clinical testing. Allele origin: germline.

Genetic Services Laboratory, University of Chicago
Classification: Likely benign. Review status: no assertion criteria provided. Collection method: clinical testing. Allele origin: germline. Inheritance: Autosomal dominant inheritance. Not counted in ClinVar's aggregate classification.
Comment: Likely benign based on allele frequency in 1000 Genomes Project or ESP global frequency and its presence in a patient with a rare or unrelated disease phenotype. NOT Sanger confirmed

NM_000430.4(PAFAH1B1):c.568+27C>T

Gene: PAFAH1B1 (platelet activating factor acetylhydrolase 1b regulatory subunit 1; plus strand). Cytogenetic location: 17p13.3.
Variant type: single nucleotide variant.
Coding change: c.568+27C>T on transcript NM_000430.4 (MANE Select); 27 bases into the intron after coding-DNA position 568, C replaced by T.
Molecular consequence: intron variant.
Genome position (GRCh38, 1-based): chr17:2,670,358, C>T. VCF-style: chr17-2670358-C-T. GRCh37 (hg19) VCF-style: chr17-2573652-C-T.
Identifiers: ClinVar variation 159528 (VCV000159528.10), dbSNP rs3213696, ClinGen allele CA172938.